The following is an entry in ClinVar:

ClinVar aggregate classification (germline): Uncertain significance (1 of 4 stars; one submission).

Conditions:
Weiss-Kruszka syndrome. Also called: Metopic ridging-ptosis-facial dysmorphism syndrome. Identifiers: Orphanet 502430, MedGen C5568107, MONDO:0032836, OMIM 618619.

gnomAD v4.1: 11 of 1,613,930 alleles (0.00068%); highest among the groups gnomAD compares: African/African-American, 0.0027%; no homozygotes.

Submission:

Laboratorio de Genetica e Diagnostico Molecular, Hospital Israelita Albert Einstein
Classification: Uncertain significance for Weiss-Kruszka syndrome. Last evaluated: 2024-06-21. Review status: criteria provided, single submitter. Criteria: ACMG Guidelines, 2015. Collection method: clinical testing. Allele origin: germline. Affected: yes.
Comment: ACMG classification criteria: PM2 supporting, PP2 supporting, BP4 supporting

NM_021224.6(ZNF462):c.5539C>T (p.Arg1847Cys)

Gene: ZNF462 (zinc finger protein 462; plus strand). Cytogenetic location: 9q31.2.
Variant type: single nucleotide variant.
Coding change: c.5539C>T on transcript NM_021224.6 (MANE Select); coding-DNA position 5539, C replaced by T.
Protein change: p.Arg1847Cys; replaces arginine 1847 with cysteine.
Molecular consequence: missense variant. On other transcripts: intron variant (1).
Genome position (GRCh38, 1-based): chr9:106,929,451, C>T. VCF-style: chr9-106929451-C-T. GRCh37 (hg19) VCF-style: chr9-109691732-C-T.
Other names: c.3253-1074C>T (NM_001347997.2); short protein forms R1847C.
Identifiers: ClinVar variation 4076359 (VCV004076359.1).